The following is an entry in ClinVar:

ClinVar aggregate classification (germline): Conflicting classifications of pathogenicity. Review status: criteria provided, conflicting classifications (1 of 4 stars). 5 submissions from 5 submitters: Uncertain significance (1); Likely benign (3). 1 of the submissions does not count toward it. Last evaluated 2025-12-30.

Conditions:
Short-rib thoracic dysplasia 14 with polydactyly (SRTD14). Identifiers: Orphanet 397715, MedGen C4225286, MONDO:0014688, OMIM 616546.
Joubert syndrome 23 (JBTS23). Identifiers: Orphanet 475, MedGen C4084822, MONDO:0014664, OMIM 616490.
Inborn genetic diseases. Identifiers: MedGen C0950123, MeSH D030342.
KIAA0586-related disorder. Also called: KIAA0586- Related disorders; KIAA0586-related condition.

Allele frequency attached by ClinVar (database versions not stated): gnomAD exomes 0.00010 and 0.00027; ExAC 0.00055; ESP Exome Variant Server 0.00073; gnomAD 0.00090 and 0.00096; TOPMed 0.00104; 1000 Genomes Project 0.00160; 1000 Genomes Project 30x 0.00172.
gnomAD v4.1: 287 of 1,521,044 alleles (0.019%); highest among the groups gnomAD compares: African/African-American, 0.31%; no homozygotes.

Submissions (5):

Labcorp Genetics (formerly Invitae), Labcorp
Classification: Likely benign for Joubert syndrome 23; Short-rib thoracic dysplasia 14 with polydactyly. Last evaluated: 2025-12-30. Review status: criteria provided, single submitter. Criteria: Invitae Variant Classification Sherloc (09022015). Collection method: clinical testing. Allele origin: germline.

GeneDx
Classification: Uncertain significance. Last evaluated: 2025-09-16. Review status: criteria provided, single submitter. Criteria: GeneDx Variant Classification Process June 2021. Collection method: clinical testing. Allele origin: germline. Affected: yes.
Comment: In silico analysis supports that this missense variant has a deleterious effect on protein structure/function; Has not been previously published as pathogenic or benign to our knowledge

Ambry Genetics
Classification: Likely benign for Inborn genetic diseases. Last evaluated: 2024-10-11. Review status: criteria provided, single submitter. Criteria: Ambry Variant Classification Scheme 2023. Collection method: clinical testing. Allele origin: germline.

Blueprint Genetics
Classification: Likely benign. Last evaluated: 2024-09-04. Review status: criteria provided, single submitter. Criteria: ACMG Guidelines, 2015. Collection method: clinical testing. Allele origin: germline.

PreventionGenetics, part of Exact Sciences
Classification: Likely benign for KIAA0586-related condition. Last evaluated: 2022-04-11. Review status: no assertion criteria provided. Collection method: clinical testing. Allele origin: germline. Not counted in ClinVar's aggregate classification.
Comment: This variant is classified as likely benign based on ACMG/AMP sequence variant interpretation guidelines (Richards et al. 2015 PMID: 25741868, with internal and published modifications).

NM_001329943.3(KIAA0586):c.3862G>A (p.Asp1288Asn)

Gene: KIAA0586 (KIAA0586; plus strand). Cytogenetic location: 14q23.1.
Variant type: single nucleotide variant.
Coding change: c.3862G>A on transcript NM_001329943.3 (MANE Select); coding-DNA position 3862, G replaced by A.
Protein change: p.Asp1288Asn; replaces aspartic acid 1288 with asparagine.
Molecular consequence: missense variant. On other transcripts: intron variant (1).
Genome position (GRCh38, 1-based): chr14:58,492,147, G>A. VCF-style: chr14-58492147-G-A. GRCh37 (hg19) VCF-style: chr14-58958865-G-A.
Other names: c.3817G>A, p.Asp1273Asn (NM_001244190.2); c.3607G>A, p.Asp1203Asn (NM_001244191.2, NM_001329945.2, NM_001364700.1 and 1 more transcripts); c.3730G>A, p.Asp1244Asn (NM_001244192.2); c.3442G>A, p.Asp1148Asn (NM_001244193.2); c.3862G>A, p.Asp1288Asn (NM_001329944.2, NM_001329946.2); c.3634G>A, p.Asp1212Asn (NM_014749.5); c.3858+1907G>A (NM_001329947.2); c.3634G>A (NM_014749.3); and 1 more; short protein forms D1212N, D1244N, D1148N, D1273N, D1203N, D1288N, D1341N.
Identifiers: ClinVar variation 771823 (VCV000771823.18), dbSNP rs181413894, ClinGen allele CA7206283.